The following is an entry in ClinVar:

ClinVar aggregate classification (germline): Uncertain significance (1 of 4 stars; one submission).

Conditions:
Short-rib thoracic dysplasia 8 with or without polydactyly (SRTD8). Also called: SHORT-RIB THORACIC DYSPLASIA 8 WITH POLYDACTYLY. Identifiers: Orphanet 93271, MedGen C3809691, MONDO:0014214, OMIM 615503.

gnomAD v4.1: 4 of 1,612,188 alleles (0.00025%); highest among the groups gnomAD compares: South Asian, 0.0011%; no homozygotes.

Submission:

Labcorp Genetics (formerly Invitae), Labcorp
Classification: Uncertain significance for Short-rib thoracic dysplasia 8 with or without polydactyly. Last evaluated: 2025-05-08. Review status: criteria provided, single submitter. Criteria: Invitae Variant Classification Sherloc (09022015). Collection method: clinical testing. Allele origin: germline.
Comment: This sequence change replaces arginine, which is basic and polar, with glutamine, which is neutral and polar, at codon 223 of the WDR60 protein (p.Arg223Gln). This variant is not present in population databases (gnomAD no frequency). This variant has not been reported in the literature in individuals affected with WDR60-related conditions. An algorithm developed to predict the effect of missense changes on protein structure and function outputs the following: PolyPhen-2: "Benign". The glutamine amino acid residue is found in multiple mammalian species, which suggests that this missense change does not adversely affect protein function. In summary, the available evidence is currently insufficient to determine the role of this variant in disease. Therefore, it has been classified as a Variant of Uncertain Significance.

NM_018051.5(DYNC2I1):c.668G>A (p.Arg223Gln)

Gene: DYNC2I1 (dynein 2 intermediate chain 1; plus strand). Cytogenetic location: 7q36.3.
Variant type: single nucleotide variant.
Coding change: c.668G>A on transcript NM_018051.5 (MANE Select); coding-DNA position 668, G replaced by A.
Protein change: p.Arg223Gln; replaces arginine 223 with glutamine.
Molecular consequence: missense variant. On other transcripts: 5 prime UTR variant (3).
Genome position (GRCh38, 1-based): chr7:158,879,778, G>A. VCF-style: chr7-158879778-G-A. GRCh37 (hg19) VCF-style: chr7-158672469-G-A.
Other names: c.530G>A, p.Arg177Gln (NM_001350914.2); c.151G>A, p.Glu51Lys (NM_001350915.2); c.-691G>A (NM_001350916.2); c.-699G>A (NM_001350917.2); c.-818G>A (NM_001350918.2); short protein forms E51K, R223Q, R177Q.
Identifiers: ClinVar variation 4690899 (VCV004690899.1).